The following is an entry in ClinVar:

NM_018297.4(NGLY1):c.1757G>A (p.Arg586Gln)

Gene: NGLY1 (N-glycanase 1; minus strand). Cytogenetic location: 3p24.2.
Variant type: single nucleotide variant.
Coding change: c.1757G>A on transcript NM_018297.4 (MANE Select); coding-DNA position 1757, G replaced by A.
Protein change: p.Arg586Gln; replaces arginine 586 with glutamine.
Molecular consequence: missense variant. On other transcripts: intron variant (1).
Genome position (GRCh38, 1-based): chr3:25,720,046, C>T on the plus strand (G>A on the coding strand, the complement: NGLY1 is on the minus strand). VCF-style: chr3-25720046-C-T. GRCh37 (hg19) VCF-style: chr3-25761537-C-T.
Other names: c.1703G>A, p.Arg568Gln (NM_001145293.2); c.1631G>A, p.Arg544Gln (NM_001145294.2); c.1612-411G>A (NM_001145295.2); short protein forms R568Q, R586Q, R544Q.
Identifiers: ClinVar variation 944307 (VCV000944307.5), dbSNP rs376913179, ClinGen allele CA2289079.

ClinVar aggregate classification (germline): Uncertain significance. Review status: criteria provided, multiple submitters, no conflicts (2 of 4 stars). 2 submissions from 2 submitters: Uncertain significance (2). Last evaluated 2024-04-18.

Conditions:
Congenital disorder of deglycosylation (CDDG). Identifiers: MedGen C3808991, MONDO:0031376.
Inborn genetic diseases. Identifiers: MedGen C0950123, MeSH D030342.

Allele frequency attached by ClinVar (database versions not stated): TOPMed 0.00010; ESP Exome Variant Server 0.00008.
gnomAD v4.1: 54 of 1,613,216 alleles (0.0033%); highest among the groups gnomAD compares: East Asian, 0.027%; no homozygotes.

Submissions (2):

Ambry Genetics
Classification: Uncertain significance for Inborn genetic diseases. Last evaluated: 2024-04-18. Review status: criteria provided, single submitter. Criteria: Ambry Variant Classification Scheme 2023. Collection method: clinical testing. Allele origin: germline.

Labcorp Genetics (formerly Invitae), Labcorp
Classification: Uncertain significance for Congenital disorder of deglycosylation. Last evaluated: 2021-09-30. Review status: criteria provided, single submitter. Criteria: Invitae Variant Classification Sherloc (09022015). Collection method: clinical testing. Allele origin: germline.
Comment: This sequence change replaces arginine with glutamine at codon 586 of the NGLY1 protein (p.Arg586Gln). The arginine residue is weakly conserved and there is a small physicochemical difference between arginine and glutamine. This variant is present in population databases (rs376913179, ExAC 0.08%). This variant has not been reported in the literature in individuals affected with NGLY1-related conditions. Algorithms developed to predict the effect of missense changes on protein structure and function output the following: SIFT: "Tolerated"; PolyPhen-2: "Benign"; Align-GVGD: "Class C0". The glutamine amino acid residue is found in multiple mammalian species, which suggests that this missense change does not adversely affect protein function. In summary, the available evidence is currently insufficient to determine the role of this variant in disease. Therefore, it has been classified as a Variant of Uncertain Significance.